The following is an entry in ClinVar:

ClinVar aggregate classification (germline): Uncertain significance (1 of 4 stars; one submission).

Submission:

GeneDx
Classification: Uncertain significance. Last evaluated: 2024-10-16. Review status: criteria provided, single submitter. Criteria: GeneDx Variant Classification Process June 2021. Collection method: clinical testing. Allele origin: germline. Affected: yes.
Comment: Not observed at significant frequency in large population cohorts (gnomAD); In silico analysis supports that this missense variant has a deleterious effect on protein structure/function; Has not been previously published as pathogenic or benign to our knowledge

NM_004447.6(EPS8):c.53A>G (p.Gln18Arg)

Gene: EPS8 (EGFR pathway substrate 8, signaling adaptor; minus strand). Cytogenetic location: 12p12.3.
Variant type: single nucleotide variant.
Coding change: c.53A>G on transcript NM_004447.6 (MANE Select); coding-DNA position 53, A replaced by G.
Protein change: p.Gln18Arg; replaces glutamine 18 with arginine.
Molecular consequence: missense variant. On other transcripts: 5 prime UTR variant (2), non-coding transcript variant (3), intron variant (1).
Genome position (GRCh38, 1-based): chr12:15,682,899, T>C on the plus strand (A>G on the coding strand, the complement: EPS8 is on the minus strand). VCF-style: chr12-15682899-T-C. GRCh37 (hg19) VCF-style: chr12-15835833-T-C.
Other names: c.53A>G, p.Gln18Arg (NM_001413831.1, NM_001413832.1, NM_001413833.1 and 3 more transcripts); c.-111A>G (NM_001413835.1); c.-369A>G (NM_001413837.1); c.-104-11976A>G (NM_001413836.1); short protein forms Q18R.
Identifiers: ClinVar variation 3781097 (VCV003781097.1).
Genomic context (GRCh38, chr12:15,682,899, plus strand): 5'-AATCACCAAATCAAATTCCCCCAAAACATATTAAATATAAACTTTTCAACTTACTTCATC[T>C]GAGATGGGTACATTCCAAAACTACTGGGATGATTAGAAATATGACCATTCATTGTGTCTT-3'
Protein context (NP_004438.3, residues 8-28): HPSSFGMYPS[Gln18Arg]MNGYGSSPTF